The following is an entry in ClinVar:

ClinVar aggregate classification (germline): Likely pathogenic (1 of 4 stars; one submission).

Conditions:
Ichthyosis vulgaris. Also called: ICHTHYOSIS SIMPLEX; Dominant ichthyosis vulgaris. Identifiers: MedGen C0079584, MONDO:0024304, OMIM 146700.

Submission:

Greenwood Genetic Center Diagnostic Laboratories, Greenwood Genetic Center
Classification: Likely pathogenic for Ichthyosis vulgaris. Last evaluated: 2024-01-03. Review status: criteria provided, single submitter. Criteria: ACMG Guidelines, 2015. Collection method: clinical testing. Allele origin: germline. Affected: yes.
Comment: PVS1, PM2

NM_002016.2(FLG):c.5050_5051delinsA (p.Arg1684fs)

Genes: CCDST (cervical cancer associated DHX9 suppressive transcript; plus strand), FLG (filaggrin; minus strand). Cytogenetic location: 1q21.3.
Variant type: Indel.
Coding change: c.5050_5051delinsA on transcript NM_002016.2 (MANE Select); coding-DNA positions 5050 to 5051, CG replaced by A.
Protein change: p.Arg1684fs; shifts the reading frame from arginine 1684.
Molecular consequence: frameshift variant.
Genome position (GRCh38, 1-based): chr1:152,309,835-152,309,836, CG replaced by T on the plus strand (CG replaced by A on the coding strand, the reverse complement: FLG is on the minus strand). VCF-style: chr1-152309835-CG-T. GRCh37 (hg19) VCF-style: chr1-152282311-CG-T.
Other names: short protein forms R1684fs.
Identifiers: ClinVar variation 3235868 (VCV003235868.1), dbSNP rs2525182868, ClinGen allele CA2825000850.